The following is an entry in ClinVar:

NM_019844.4(SLCO1B3):c.1666_1669del (p.Ile556fs)

Genes: SLCO1B3-SLCO1B7 (SLCO1B3-SLCO1B7 readthrough; plus strand), SLCO1B3 (solute carrier organic anion transporter family member 1B3; plus strand). Cytogenetic location: 12p12.2.
Variant type: Deletion.
Coding change: c.1666_1669del on transcript NM_019844.4 (MANE Select); coding-DNA positions 1666 to 1669, 4 bases deleted (ATCT; older notation c.1666_1669delATCT).
Protein change: p.Ile556fs; shifts the reading frame from isoleucine 556.
Molecular consequence: frameshift variant.
Genome position (GRCh38, 1-based): chr12:20,883,586-20,883,589, ATCT deleted; deleting any 4 consecutive bases within chr12:20,883,585-20,883,589 gives the same sequence; the c. name uses the placement nearest the transcript's 3' end. VCF-style (leftmost placement, unchanged base first): chr12-20883584-TTATC-T. GRCh37 (hg19) VCF-style: chr12-21036518-TTATC-T.
Other names: c.1666_1669del, p.Ile556fs (NM_001371097.1); c.1582_1585del, p.Ile528fs (NM_001349920.2); short protein forms I528fs, I556fs.
Identifiers: ClinVar variation 3358509 (VCV003358509.2).

ClinVar aggregate classification (germline): Likely pathogenic (1 of 4 stars; one submission).

Conditions:
SLCO1B3-related disorder. Also called: SLCO1B3-related condition.

Submission:

PreventionGenetics, part of Exact Sciences
Classification: Likely pathogenic for SLCO1B3-related condition. Last evaluated: 2026-02-12. Review status: criteria provided, single submitter. Criteria: ACMG Guidelines, 2015. Collection method: clinical testing. Allele origin: germline.
Comment: The SLCO1B3 c.1666_1669delATCT variant is predicted to result in a frameshift and premature protein termination (p.Ile556Cysfs*2). This variant has not been reported in the literature in individuals with SLCO1B3-related disorders. This variant is reported in 0.089% of alleles in individuals of South Asian descent in gnomAD, including a homozygous individual. Frameshift variants in SLCO1B3 are expected to be pathogenic. This variant is interpreted as likely pathogenic.